The following is an entry in ClinVar:

ClinVar aggregate classification (germline): Pathogenic (1 of 4 stars; one submission).

Conditions:
Hereditary fructosuria. Also called: ALDOB DEFICIENCY; ALDOLASE B DEFICIENCY; FRUCTOSE-1,6-BISPHOSPHATE ALDOLASE B DEFICIENCY; FRUCTOSE-1-PHOSPHATE ALDOLASE DEFICIENCY; FRUCTOSEMIA; Hereditary fructose intolerance. Identifiers: Orphanet 469, MedGen C0016751, MONDO:0009249, OMIM 229600, HP:0005973. Disease mechanism: loss of function.

Submission:

Labcorp Genetics (formerly Invitae), Labcorp
Classification: Pathogenic for Hereditary fructosuria. Last evaluated: 2024-01-02. Review status: criteria provided, single submitter. Criteria: Invitae Variant Classification Sherloc (09022015). Collection method: clinical testing. Allele origin: unknown.
Comment: This variant is a gross deletion of the genomic region encompassing exon(s) 2-6 of the ALDOB gene, which includes the initiator codon. This deletion extends beyond the assayed region for this gene and therefore may encompass additional genes. It is expected to result in an absent or disrupted protein product. Loss-of-function variants in ALDOB are known to be pathogenic (PMID: 18541450). A similar copy number variant has been observed in individual(s) with hereditary fructose intolerance (PMID: 20848650, 22494545). In at least one individual the data is consistent with being in trans (on the opposite chromosome) from a pathogenic variant. It has also been observed to segregate with disease in related individuals. For these reasons, this variant has been classified as Pathogenic.

Literature cited by the submitters: PubMed 18541450; PubMed 20848650; PubMed 22494545.

NC_000009.11:g.(?_104188817)_(104193169_?)del

Gene: ALDOB (aldolase, fructose-bisphosphate B; minus strand). Cytogenetic location: 9q31.1.
Variant type: Deletion.
Identifiers: ClinVar variation 3245066 (VCV003245066.1).